The following is an entry in ClinVar:

ClinVar aggregate classification (germline): Uncertain significance (1 of 4 stars; one submission).

Conditions:
Rubinstein-Taybi syndrome (RSTS). Identifiers: Orphanet 783, MedGen C0035934, MONDO:0019188.

Submission:

Labcorp Genetics (formerly Invitae), Labcorp
Classification: Uncertain significance for Rubinstein-Taybi syndrome. Last evaluated: 2024-10-22. Review status: criteria provided, single submitter. Criteria: Invitae Variant Classification Sherloc (09022015). Collection method: clinical testing. Allele origin: germline.
Comment: This sequence change replaces asparagine, which is neutral and polar, with lysine, which is basic and polar, at codon 2341 of the CREBBP protein (p.Asn2341Lys). This variant is not present in population databases (gnomAD no frequency). This variant has not been reported in the literature in individuals affected with CREBBP-related conditions. ClinVar contains an entry for this variant (Variation ID: 1715274). Invitae Evidence Modeling of protein sequence and biophysical properties (such as structural, functional, and spatial information, amino acid conservation, physicochemical variation, residue mobility, and thermodynamic stability) indicates that this missense variant is not expected to disrupt CREBBP protein function with a negative predictive value of 95%. In summary, the available evidence is currently insufficient to determine the role of this variant in disease. Therefore, it has been classified as a Variant of Uncertain Significance.

NM_004380.3(CREBBP):c.7023C>G (p.Asn2341Lys)

Gene: CREBBP (CREB binding lysine acetyltransferase; minus strand). Cytogenetic location: 16p13.3.
Variant type: single nucleotide variant.
Coding change: c.7023C>G on transcript NM_004380.3 (MANE Select); coding-DNA position 7023, C replaced by G.
Protein change: p.Asn2341Lys; replaces asparagine 2341 with lysine.
Molecular consequence: missense variant.
Genome position (GRCh38, 1-based): chr16:3,728,024, G>C on the plus strand (C>G on the coding strand, the complement: CREBBP is on the minus strand). VCF-style: chr16-3728024-G-C. GRCh37 (hg19) VCF-style: chr16-3778025-G-C.
Other names: c.6909C>G, p.Asn2303Lys (NM_001079846.1); short protein forms N2303K, N2341K.
Identifiers: ClinVar variation 1715274 (VCV001715274.5), dbSNP rs1395407807, ClinGen allele CA394550784.
Genomic context (GRCh38, chr16:3,728,024, plus strand): 5'-GGAATGTGGAGGCTGGGACTGGGGCCGTGGAGACTGGACAGGGGCTGGAGACCGCACCTG[G>C]TTACTAAGGGACGTGGCGATCTGCTGGCCAGGGAGATGCGAGGCCTGTGGCTGTCCTGAG-3'
Protein context (NP_004371.2, residues 2331-2351): PGQQIATSLS[Asn2341Lys]QVRSPAPVQS